The following is an entry in ClinVar:

NM_020338.4(ZMIZ1):c.1507C>A (p.Pro503Thr)

Gene: ZMIZ1 (zinc finger MIZ-type containing 1; plus strand). Cytogenetic location: 10q22.3.
Variant type: single nucleotide variant.
Coding change: c.1507C>A on transcript NM_020338.4 (MANE Select); coding-DNA position 1507, C replaced by A.
Protein change: p.Pro503Thr; replaces proline 503 with threonine.
Molecular consequence: missense variant.
Genome position (GRCh38, 1-based): chr10:79,298,421, C>A. VCF-style: chr10-79298421-C-A. GRCh37 (hg19) VCF-style: chr10-81058178-C-A.
Other names: short protein forms P503T.
Identifiers: ClinVar variation 2747920 (VCV002747920.3), dbSNP rs2492113988, ClinGen allele CA377337113.

ClinVar aggregate classification (germline): Uncertain significance (1 of 4 stars; one submission).

Submission:

Labcorp Genetics (formerly Invitae), Labcorp
Classification: Uncertain significance. Last evaluated: 2023-07-28. Review status: criteria provided, single submitter. Criteria: Invitae Variant Classification Sherloc (09022015). Collection method: clinical testing. Allele origin: germline.
Comment: This sequence change replaces proline, which is neutral and non-polar, with threonine, which is neutral and polar, at codon 503 of the ZMIZ1 protein (p.Pro503Thr). This variant is not present in population databases (gnomAD no frequency). This variant has not been reported in the literature in individuals affected with ZMIZ1-related conditions. An algorithm developed to predict the effect of missense changes on protein structure and function (PolyPhen-2) suggests that this variant is likely to be tolerated. In summary, the available evidence is currently insufficient to determine the role of this variant in disease. Therefore, it has been classified as a Variant of Uncertain Significance.